The following is an entry in ClinVar:

ClinVar aggregate classification (germline): Likely pathogenic. Review status: criteria provided, multiple submitters, no conflicts (2 of 4 stars). 3 submissions from 3 submitters: Likely pathogenic (3). Last evaluated 2025-12-28.

Conditions:
Multiple acyl-CoA dehydrogenase deficiency (MADD). Also called: Glutaric aciduria, type 2; ETHYLMALONIC-ADIPICACIDURIA; GA II; Glutaric Acidemia type 2; Glutaric acidemia type II; GA 2. Identifiers: Orphanet 26791, MedGen C0268596, MONDO:0009282, OMIM 231680.

Allele frequency attached by ClinVar (database versions not stated): gnomAD exomes 0.00001; ExAC 0.00002; TOPMed 0.00002; gnomAD 0.00005.
gnomAD v4.1: 17 of 1,614,086 alleles (0.0011%); highest among the groups gnomAD compares: African/African-American, 0.0027%; no homozygotes.

Submissions (3):

Labcorp Genetics (formerly Invitae), Labcorp
Classification: Likely pathogenic for Multiple acyl-CoA dehydrogenase deficiency. Last evaluated: 2025-12-28. Review status: criteria provided, single submitter. Criteria: Invitae Variant Classification Sherloc (09022015). Collection method: clinical testing. Allele origin: germline.
Comment: This sequence change replaces isoleucine, which is neutral and non-polar, with threonine, which is neutral and polar, at codon 505 of the ETFDH protein (p.Ile505Thr). This variant is present in population databases (rs764164607, gnomAD 0.005%). This missense change has been observed in individuals with adult-onset multiple acyl-CoA dehydrogenase deficiency (PMID: 28899466, 33000234). This variant is also known as c.1331T>C (p.I444T). ClinVar contains an entry for this variant (Variation ID: 1475736). Invitae Evidence Modeling of protein sequence and biophysical properties (such as structural, functional, and spatial information, amino acid conservation, physicochemical variation, residue mobility, and thermodynamic stability) has been performed for this missense variant. However, the output from this modeling did not meet the statistical confidence thresholds required to predict the impact of this variant on ETFDH protein function. In summary, the currently available evidence indicates that the variant is pathogenic, but additional data are needed to prove that conclusively. Therefore, this variant has been classified as Likely Pathogenic.

GeneDx
Classification: Likely pathogenic. Last evaluated: 2024-04-24. Review status: criteria provided, single submitter. Criteria: GeneDx Variant Classification Process June 2021. Collection method: clinical testing. Allele origin: germline. Affected: yes.
Comment: Not observed at significant frequency in large population cohorts (gnomAD); In silico analysis supports that this missense variant has a deleterious effect on protein structure/function; This variant is associated with the following publications: (PMID: 28899466, 33000234)

Baylor Genetics
Classification: Likely pathogenic for Multiple acyl-CoA dehydrogenase deficiency. Last evaluated: 2024-03-02. Review status: criteria provided, single submitter. Criteria: ACMG Guidelines, 2015. Collection method: clinical testing. Allele origin: unknown.

Literature cited by the submitters: PubMed 28899466 (cited by Labcorp Genetics (formerly Invitae), Labcorp); PubMed 33000234 (cited by Labcorp Genetics (formerly Invitae), Labcorp).

NM_004453.4(ETFDH):c.1514T>C (p.Ile505Thr)

Gene: ETFDH (electron transfer flavoprotein dehydrogenase; plus strand). Cytogenetic location: 4q32.1.
Variant type: single nucleotide variant.
Coding change: c.1514T>C on transcript NM_004453.4 (MANE Select); coding-DNA position 1514, T replaced by C.
Protein change: p.Ile505Thr; replaces isoleucine 505 with threonine.
Molecular consequence: missense variant.
Genome position (GRCh38, 1-based): chr4:158,706,674, T>C. VCF-style: chr4-158706674-T-C. GRCh37 (hg19) VCF-style: chr4-159627826-T-C.
Other names: c.1514T>C (NM_004453.2); c.1373T>C, p.Ile458Thr (NM_001281737.2); c.1331T>C, p.Ile444Thr (NM_001281738.1); short protein forms I444T, I458T, I505T.
Identifiers: ClinVar variation 1475736 (VCV001475736.11), dbSNP rs764164607, ClinGen allele CA3122650.